The following is an entry in ClinVar:

NM_152419.3(HGSNAT):c.161C>T (p.Ala54Val)

Gene: HGSNAT (heparan-alpha-glucosaminide N-acetyltransferase; plus strand). Cytogenetic location: 8p11.21.
Variant type: single nucleotide variant.
Coding change: c.161C>T on transcript NM_152419.3 (MANE Select); coding-DNA position 161, C replaced by T.
Protein change: p.Ala54Val; replaces alanine 54 with valine.
Molecular consequence: missense variant. On other transcripts: 5 prime UTR variant (1).
Genome position (GRCh38, 1-based): chr8:43,146,990, C>T. VCF-style: chr8-43146990-C-T. GRCh37 (hg19) VCF-style: chr8-43002133-C-T.
Other names: c.161C>T, p.Ala54Val (NM_001363227.2, NM_001363228.2); c.-673C>T (NM_001363229.2); short protein forms A54V.
Identifiers: ClinVar variation 4534627 (VCV004534627.6).

ClinVar aggregate classification (germline): Likely pathogenic (1 of 4 stars; one submission).

Submission:

CeGaT Center for Human Genetics Tuebingen
Classification: Likely pathogenic. Last evaluated: 2025-10-01. Review status: criteria provided, single submitter. Criteria: CeGaT Center For Human Genetics Tuebingen Variant Classification Criteria Version 2. Collection method: clinical testing. Allele origin: germline. Affected: yes. Observed: 1 variant allele.
Comment: HGSNAT: PM2, PM3, PP4, PS3:Supporting